The following is an entry in ClinVar:

NM_001378030.1(CCDC78):c.874del (p.Leu292fs)

Gene: CCDC78 (coiled-coil domain containing 78; minus strand). Cytogenetic location: 16p13.3.
Variant type: Deletion.
Coding change: c.874del on transcript NM_001378030.1 (MANE Select); coding-DNA position 874, one base deleted (C; older notation c.874delC).
Protein change: p.Leu292fs; shifts the reading frame from leucine 292.
Molecular consequence: frameshift variant. On other transcripts: non-coding transcript variant (5).
Genome position (GRCh38, 1-based): chr16:724,401, G deleted on the plus strand (C on the coding strand, the reverse complement: CCDC78 is on the minus strand). VCF-style (leftmost placement, unchanged base first): chr16-724400-AG-A. GRCh37 (hg19) VCF-style: chr16-774400-AG-A.
Other names: c.874del, p.Leu292fs (NM_001031737.3, NM_001378031.1); c.307del, p.Leu103fs (NM_001378033.1); c.874delC (NM_001031737.3); short protein forms L292fs, L103fs.
Identifiers: ClinVar variation 580734 (VCV000580734.10), dbSNP rs746756519, ClinGen allele CA7789368.
Genomic context (GRCh38, chr16:724,400, plus strand): 5'-TCTTCATGCCTGCGGCTCAGATCCACCAGCCTCTTGTGGTAGCTGCGGGCAGCCCGGGCC[AG>A]CTGCTGCTCACGGCTGCGGTGCGCTGCCCGGATGTCCTCCAGAGTCGCCTCCAGGAATGT-3'

ClinVar aggregate classification (germline): Uncertain significance. Review status: criteria provided, multiple submitters, no conflicts (2 of 4 stars). 3 submissions from 3 submitters: Uncertain significance (3). Last evaluated 2024-06-25.

Conditions:
Congenital myopathy with internal nuclei and atypical cores. Also called: Myopathy, centronuclear, 4. Identifiers: Orphanet 319160, MedGen C4707232, MONDO:0013890, OMIM 614807.
CCDC78-related disorder. Also called: CCDC78-related condition.

Allele frequency attached by ClinVar (database versions not stated): ExAC 0.00001; gnomAD 0.00001; gnomAD exomes 0.00001 and 0.00002; TOPMed 0.00001; ESP Exome Variant Server 0.00008.

Submissions (3):

Women's Health and Genetics/Laboratory Corporation of America, LabCorp
Classification: Uncertain significance. Last evaluated: 2024-06-25. Review status: criteria provided, single submitter. Criteria: LabCorp Variant Classification Summary - May 2015. Collection method: clinical testing. Allele origin: germline.
Comment: Variant summary: CCDC78 c.874delC (p.Leu292TrpfsX15) results in a premature termination codon, predicted to cause a truncation of the encoded protein or absence of the protein due to nonsense mediated decay, however the molecular mechanism of disease attributed to CCDC78 is gain-of-function. The variant allele was found at a frequency of 1.6e-05 in 245584 control chromosomes. The available data on variant occurrences in the general population are insufficient to allow any conclusion about variant significance. To our knowledge, no occurrence of c.874delC in individuals affected with Congenital Myopathy With Internal Nuclei And Atypical Cores and no experimental evidence demonstrating its impact on protein function have been reported. ClinVar contains an entry for this variant (Variation ID: 580734). Based on the evidence outlined above, the variant was classified as uncertain significance.

PreventionGenetics, part of Exact Sciences
Classification: Uncertain significance for CCDC78-related condition. Last evaluated: 2022-11-04. Review status: criteria provided, single submitter. Criteria: ACMG Guidelines, 2015. Collection method: clinical testing. Allele origin: germline.
Comment: The CCDC78 c.874delC variant is predicted to result in a frameshift and premature protein termination (p.Leu292Trpfs*15). To our knowledge, this variant has not been reported in the literature. This variant is reported in 0.0036% of alleles in individuals of European (Non-Finnish) descent in gnomAD. Loss of function is not an established mechanism of CCDC78 associated disease. At this time, the clinical significance of this variant is uncertain due to the absence of conclusive functional and genetic evidence.

Labcorp Genetics (formerly Invitae), Labcorp
Classification: Uncertain significance for Congenital myopathy with internal nuclei and atypical cores. Last evaluated: 2022-10-08. Review status: criteria provided, single submitter. Criteria: Invitae Variant Classification Sherloc (09022015). Collection method: clinical testing. Allele origin: germline.
Comment: In summary, the available evidence is currently insufficient to determine the role of this variant in disease. Therefore, it has been classified as a Variant of Uncertain Significance. ClinVar contains an entry for this variant (Variation ID: 580734). This variant has not been reported in the literature in individuals affected with CCDC78-related conditions. This variant is present in population databases (rs746756519, gnomAD 0.004%). This sequence change creates a premature translational stop signal (p.Leu292Trpfs*15) in the CCDC78 gene. It is expected to result in an absent or disrupted protein product. However, the current clinical and genetic evidence is not sufficient to establish whether loss-of-function variants in CCDC78 cause disease.